The following is an entry in ClinVar:

ClinVar aggregate classification (germline): Likely benign (1 of 4 stars; one submission).

Allele frequency attached by ClinVar (database versions not stated): gnomAD 0.00001; gnomAD exomes 0.00001; TOPMed 0.00001.
gnomAD v4.1: 18 of 1,613,950 alleles (0.0011%); highest among the groups gnomAD compares: Non-Finnish European, 0.0015%; no homozygotes.

Submission:

Laboratory for Molecular Medicine, Mass General Brigham Personalized Medicine
Classification: Likely benign. Last evaluated: 2020-03-04. Review status: criteria provided, single submitter. Criteria: LMM Criteria. Collection method: clinical testing. Allele origin: germline. Observed: 1 variant allele.
Comment: The p.Ser270Ser variant in MYO15A is classified as likely benign/benign because it does not alter an amino acid residue, is not located within the splice consensus site, and computational splice prediction tools do not predict an impact on splicing. It was absent from large population studies. ACMG/AMP Criteria applied: PM2, BP4, BP7.

NM_016239.4(MYO15A):c.8115C>T (p.Ser2705=)

Gene: MYO15A (myosin XVA; plus strand). Cytogenetic location: 17p11.2.
Variant type: single nucleotide variant.
Coding change: c.8115C>T on transcript NM_016239.4 (MANE Select); coding-DNA position 8115, C replaced by T.
Protein change: p.Ser2705=; no amino-acid change (serine 2705 retained).
Molecular consequence: synonymous variant.
Genome position (GRCh38, 1-based): chr17:18,154,157, C>T. VCF-style: chr17-18154157-C-T. GRCh37 (hg19) VCF-style: chr17-18057471-C-T.
Identifiers: ClinVar variation 930051 (VCV000930051.4), dbSNP rs1160269595, ClinGen allele CA498203203.